The following is an entry in ClinVar:

NM_025179.4(PLXNA2):c.2967G>A (p.Leu989=)

Gene: PLXNA2 (plexin A2; minus strand). Cytogenetic location: 1q32.2.
Variant type: single nucleotide variant.
Coding change: c.2967G>A on transcript NM_025179.4 (MANE Select); coding-DNA position 2967, G replaced by A.
Protein change: p.Leu989=; no amino-acid change (leucine 989 retained).
Molecular consequence: synonymous variant.
Genome position (GRCh38, 1-based): chr1:208,052,353, C>T on the plus strand (G>A on the coding strand, the complement: PLXNA2 is on the minus strand). VCF-style: chr1-208052353-C-T. GRCh37 (hg19) VCF-style: chr1-208225698-C-T.
Identifiers: ClinVar variation 4989518 (VCV004989518.1).

ClinVar aggregate classification (germline): Likely benign (1 of 4 stars; one submission).

Conditions:
PLXNA2-related disorder. Also called: PLXNA2-related condition.

gnomAD v4.1: 15 of 1,613,308 alleles (0.00093%); highest among the groups gnomAD compares: Non-Finnish European, 0.0012%; no homozygotes.

Submission:

PreventionGenetics, part of Exact Sciences
Classification: Likely benign for PLXNA2-related condition. Last evaluated: 2025-09-02. Review status: criteria provided, single submitter. Criteria: ACMG Guidelines, 2015. Collection method: clinical testing. Allele origin: germline.
Comment: This variant is classified as likely benign based on ACMG/AMP sequence variant interpretation guidelines (Richards et al. 2015 PMID: 25741868, with internal and published modifications).